The following is an entry in ClinVar:

NM_201253.3(CRB1):c.962_966del (p.Asp321fs)

Gene: CRB1 (crumbs cell polarity complex component 1; plus strand). Cytogenetic location: 1q31.3.
Variant type: Deletion.
Coding change: c.962_966del on transcript NM_201253.3 (MANE Select); coding-DNA positions 962 to 966, 5 bases deleted (ACAAT; older notation c.962_966delACAAT).
Protein change: p.Asp321fs; shifts the reading frame from aspartic acid 321.
Molecular consequence: frameshift variant. On other transcripts: non-coding transcript variant (2), intron variant (1).
Genome position (GRCh38, 1-based): chr1:197,347,453-197,347,457, ACAAT deleted. VCF-style (leftmost placement, unchanged base first): chr1-197347452-GACAAT-G. GRCh37 (hg19) VCF-style: chr1-197316582-GACAAT-G.
Other names: c.755_759del, p.Asp252fs (NM_001257965.2); c.962_966del, p.Asp321fs (NM_001257966.2); c.653-9378_653-9374del (NM_001193640.2); short protein forms D252fs, D321fs.
Identifiers: ClinVar variation 1074853 (VCV001074853.7), dbSNP rs2125333406, ClinGen allele CA2499214389.

ClinVar aggregate classification (germline): Pathogenic (1 of 4 stars; one submission).

Conditions:
Retinitis pigmentosa 12 (RP12). Also called: RP WITH OR WITHOUT PPRPE; RP WITH OR WITHOUT PRESERVED PARAARTERIOLE RETINAL PIGMENT EPITHELIUM; RETINITIS PIGMENTOSA WITH OR WITHOUT PARAARTERIOLAR PRESERVATION OF RETINAL PIGMENT EPITHELIUM. Identifiers: Orphanet 791, MedGen C1838647, MONDO:0010818, OMIM 600105.
Leber congenital amaurosis 8 (LCA8). Identifiers: Orphanet 65, MedGen C3151202, MONDO:0013453, OMIM 613835.

Submission:

Labcorp Genetics (formerly Invitae), Labcorp
Classification: Pathogenic for Leber congenital amaurosis 8; Retinitis pigmentosa 12. Last evaluated: 2024-10-28. Review status: criteria provided, single submitter. Criteria: Invitae Variant Classification Sherloc (09022015). Collection method: clinical testing. Allele origin: germline.
Comment: This sequence change creates a premature translational stop signal (p.Asp321Valfs*15) in the CRB1 gene. It is expected to result in an absent or disrupted protein product. Loss-of-function variants in CRB1 are known to be pathogenic (PMID: 10508521, 22065545, 23379534, 25412400, 26957898, 28041643, 29391521). This variant is not present in population databases (gnomAD no frequency). This variant has not been reported in the literature in individuals affected with CRB1-related conditions. ClinVar contains an entry for this variant (Variation ID: 1074853). For these reasons, this variant has been classified as Pathogenic.

Literature cited by the submitters: PubMed 10508521; PubMed 22065545; PubMed 23379534; PubMed 25412400; PubMed 26957898; PubMed 28041643; PubMed 29391521.